The following is an entry in ClinVar:

NM_000271.5(NPC1):c.2778G>A (p.Ala926=)

Gene: NPC1 (NPC intracellular cholesterol transporter 1; minus strand). Cytogenetic location: 18q11.2.
Variant type: single nucleotide variant.
Coding change: c.2778G>A on transcript NM_000271.5 (MANE Select); coding-DNA position 2778, G replaced by A.
Protein change: p.Ala926=; no amino-acid change (alanine 926 retained).
Molecular consequence: synonymous variant.
Genome position (GRCh38, 1-based): chr18:23,539,828, C>T on the plus strand (G>A on the coding strand, the complement: NPC1 is on the minus strand). VCF-style: chr18-23539828-C-T. GRCh37 (hg19) VCF-style: chr18-21119792-C-T.
Identifiers: ClinVar variation 380488 (VCV000380488.12), dbSNP rs754772486, ClinGen allele CA8912980.

ClinVar aggregate classification (germline): Likely benign. Review status: criteria provided, multiple submitters, no conflicts (2 of 4 stars). 4 submissions from 4 submitters: Likely benign (4). Last evaluated 2026-08-01.

Conditions:
Niemann-Pick disease, type C1. Also called: NEUROVISCERAL STORAGE DISEASE WITH VERTICAL SUPRANUCLEAR OPHTHALMOPLEGIA; NIEMANN-PICK DISEASE WITH CHOLESTEROL ESTERIFICATION BLOCK; NIEMANN-PICK DISEASE WITHOUT SPHINGOMYELINASE DEFICIENCY; NIEMANN-PICK DISEASE, CHRONIC NEURONOPATHIC FORM; NIEMANN-PICK DISEASE, VARIANT TYPE C1. Identifiers: Orphanet 646, MedGen C3179455, MONDO:0009757, OMIM 257220.

Allele frequency attached by ClinVar (database versions not stated): gnomAD 0.00001 and 0.00002; ExAC 0.00002; gnomAD exomes 0.00002 and 0.00003; TOPMed 0.00004.
gnomAD v4.1: 43 of 1,614,048 alleles (0.0027%); highest among the groups gnomAD compares: Middle Eastern, 0.016%; no homozygotes.

Submissions (4):

CeGaT Center for Human Genetics Tuebingen
Classification: Likely benign. Last evaluated: 2026-08-01. Review status: criteria provided, single submitter. Criteria: CeGaT Center For Human Genetics Tuebingen Variant Classification Criteria Version 2. Collection method: clinical testing. Allele origin: germline. Affected: yes. Observed: 1 variant allele.
Comment: NPC1: BP4, BP7

Labcorp Genetics (formerly Invitae), Labcorp
Classification: Likely benign for Niemann-Pick disease, type C1. Last evaluated: 2026-01-22. Review status: criteria provided, single submitter. Criteria: Invitae Variant Classification Sherloc (09022015). Collection method: clinical testing. Allele origin: germline.

Blueprint Genetics
Classification: Likely benign. Last evaluated: 2024-09-10. Review status: criteria provided, single submitter. Criteria: ACMG Guidelines, 2015. Collection method: clinical testing. Allele origin: germline.

GeneDx
Classification: Likely benign. Last evaluated: 2015-09-11. Review status: criteria provided, single submitter. Criteria: GeneDx Variant Classification (06012015). Collection method: clinical testing. Allele origin: germline. Affected: yes.
Comment: This variant is considered likely benign or benign based on one or more of the following criteria: it is a conservative change, it occurs at a poorly conserved position in the protein, it is predicted to be benign by multiple in silico algorithms, and/or has population frequency not consistent with disease.